The following is an entry in ClinVar:

ClinVar aggregate classification (germline): Likely benign. Review status: criteria provided, multiple submitters, no conflicts (2 of 4 stars). 6 submissions from 6 submitters: Likely benign (6). Last evaluated 2026-03-18.

Conditions:
Hereditary cancer-predisposing syndrome. Also called: Neoplastic Syndromes, Hereditary; Tumor predisposition; Hereditary Cancer Syndrome; Hereditary neoplastic syndrome. Identifiers: Orphanet 140162, MedGen C0027672, MeSH D009386, MONDO:0015356.
Gorlin syndrome. Also called: Nevoid Basal Cell Carcinoma Syndrome; Basal cell nevus syndrome. Identifiers: Orphanet 377, MedGen C0004779, MONDO:0007187.
PTCH1-related disorder. Also called: PTCH1-related disorders; PTCH1-related condition.

Allele frequency attached by ClinVar (database versions not stated): gnomAD 0.00002 and 0.00004; TOPMed 0.00004; ExAC 0.00006; ESP Exome Variant Server 0.00023.
gnomAD v4.1: 45 of 1,590,858 alleles (0.0028%); highest among the groups gnomAD compares: African/African-American, 0.0067%; no homozygotes.

Submissions (6):

PreventionGenetics, part of Exact Sciences
Classification: Likely benign for PTCH1-related condition. Last evaluated: 2026-03-18. Review status: criteria provided, single submitter. Criteria: ACMG Guidelines, 2015. Collection method: clinical testing. Allele origin: germline.
Comment: This variant is classified as likely benign based on ACMG/AMP sequence variant interpretation guidelines (Richards et al. 2015 PMID: 25741868, with internal and published modifications).

Labcorp Genetics (formerly Invitae), Labcorp
Classification: Likely benign for Gorlin syndrome. Last evaluated: 2025-12-22. Review status: criteria provided, single submitter. Criteria: Invitae Variant Classification Sherloc (09022015). Collection method: clinical testing. Allele origin: germline.

Blueprint Genetics
Classification: Likely benign. Last evaluated: 2023-04-26. Review status: criteria provided, single submitter. Criteria: ACMG Guidelines, 2015. Collection method: clinical testing. Allele origin: germline.

Sema4
Classification: Likely benign for Hereditary cancer-predisposing syndrome. Last evaluated: 2021-02-10. Review status: criteria provided, single submitter. Criteria: Sema4 Curation Guidelines. Collection method: curation. Allele origin: germline.

Ambry Genetics
Classification: Likely benign for Hereditary cancer-predisposing syndrome. Last evaluated: 2019-05-17. Review status: criteria provided, single submitter. Criteria: Ambry Variant Classification Scheme 2023. Collection method: clinical testing. Allele origin: germline.

GeneDx
Classification: Likely benign. Last evaluated: 2017-11-13. Review status: criteria provided, single submitter. Criteria: GeneDx Variant Classification (06012015). Collection method: clinical testing. Allele origin: germline. Affected: yes.
Comment: This variant is considered likely benign or benign based on one or more of the following criteria: it is a conservative change, it occurs at a poorly conserved position in the protein, it is predicted to be benign by multiple in silico algorithms, and/or has population frequency not consistent with disease.

NM_000264.5(PTCH1):c.3642G>A (p.Thr1214=)

Gene: PTCH1 (patched 1; minus strand). Cytogenetic location: 9q22.32.
Variant type: single nucleotide variant.
Coding change: c.3642G>A on transcript NM_000264.5 (MANE Select); coding-DNA position 3642, G replaced by A.
Protein change: p.Thr1214=; no amino-acid change (threonine 1214 retained).
Molecular consequence: synonymous variant. On other transcripts: non-coding transcript variant (1).
Genome position (GRCh38, 1-based): chr9:95,449,231, C>T on the plus strand (G>A on the coding strand, the complement: PTCH1 is on the minus strand). VCF-style: chr9-95449231-C-T. GRCh37 (hg19) VCF-style: chr9-98211513-C-T.
Other names: c.3444G>A, p.Thr1148= (NM_001083602.3); c.3639G>A, p.Thr1213= (NM_001083603.3); c.3189G>A, p.Thr1063= (NM_001083604.3, NM_001083605.3, NM_001083606.3 and 1 more transcripts); c.3486G>A, p.Thr1162= (NM_001354918.2).
Identifiers: ClinVar variation 219622 (VCV000219622.18), dbSNP rs143974523, ClinGen allele CA350264.
Genomic context (GRCh38, chr9:95,449,231, plus strand): 5'-GAGGCCTGACACTGTCGTCTGGGAACTATACTCCGAGTCGGAGGAATCAGACCCGCTGTG[C>T]GTGTGGCCGGGCGGCATGGCGAAGCGGACCACGCTGGGGGGTGGCTCAGGGGAGGGTGTG-3'
Protein context (NP_000255.2, residues 1204-1224): VVRFAMPPGH[Thr1214=]HSGSDSSDSE